The following is an entry in ClinVar:

ClinVar aggregate classification (germline): Uncertain significance. Review status: criteria provided, multiple submitters, no conflicts (2 of 4 stars). 2 submissions from 2 submitters: Uncertain significance (2). Last evaluated 2025-09-11.

Conditions:
SH2B1-related disorder. Also called: SH2B1-related condition.

Allele frequency attached by ClinVar (database versions not stated): gnomAD 0.00001.
gnomAD v4.1: 6 of 1,613,930 alleles (0.00037%); highest among the groups gnomAD compares: African/African-American, 0.0027%; no homozygotes.

Submissions (2):

GeneDx
Classification: Uncertain significance. Last evaluated: 2025-09-11. Review status: criteria provided, single submitter. Criteria: GeneDx Variant Classification Process June 2021. Collection method: clinical testing. Allele origin: germline. Affected: yes.
Comment: Not observed at significant frequency in large population cohorts (gnomAD); In silico analysis suggests that this missense variant does not alter protein structure/function; Has not been previously published as pathogenic or benign to our knowledge

PreventionGenetics, part of Exact Sciences
Classification: Uncertain significance for SH2B1-related condition. Last evaluated: 2025-07-16. Review status: criteria provided, single submitter. Criteria: ACMG Guidelines, 2015. Collection method: clinical testing. Allele origin: germline.
Comment: The SH2B1 c.478C>T variant is predicted to result in the amino acid substitution p.Arg160Cys. To our knowledge, this variant has not been reported in the literature or in a large population database (gnomAD), indicating this variant is rare. At this time, the clinical significance of this variant is uncertain due to the absence of conclusive functional and genetic evidence.

NM_001387430.1(SH2B1):c.478C>T (p.Arg160Cys)

Gene: SH2B1 (SH2B adaptor protein 1; plus strand). Cytogenetic location: 16p11.2.
Variant type: single nucleotide variant.
Coding change: c.478C>T on transcript NM_001387430.1 (MANE Select); coding-DNA position 478, C replaced by T.
Protein change: p.Arg160Cys; replaces arginine 160 with cysteine.
Molecular consequence: missense variant. On other transcripts: intron variant (1).
Genome position (GRCh38, 1-based): chr16:28,866,572, C>T. VCF-style: chr16-28866572-C-T. GRCh37 (hg19) VCF-style: chr16-28877893-C-T.
Other names: c.478C>T, p.Arg160Cys (NM_015503.3, NM_001387404.1, NM_001145795.2 and 4 more transcripts); c.-26-802C>T (NM_001308294.2); short protein forms R160C.
Identifiers: ClinVar variation 1306099 (VCV001306099.5), dbSNP rs1427356472, ClinGen allele CA395423316.
Genomic context (GRCh38, chr16:28,866,572, plus strand): 5'-TCCTCTACAACCTCCTCCAAGCCGAAGCTCAAGAAGCGCTTTTCCCTGCGTTCAGTGGGT[C>T]GCTCTGTCCGAGGCTCAGTCCGTGGCATCCTGCAGTGGCGGGGGACCGTTGACCCTCCCT-3'
Protein context (NP_001374359.1, residues 150-170): KKRFSLRSVG[Arg160Cys]SVRGSVRGIL